The following is an entry in ClinVar:

NM_173598.6(KSR2):c.2450+7G>A

Gene: KSR2 (kinase suppressor of ras 2; minus strand). Cytogenetic location: 12q24.22.
Variant type: single nucleotide variant.
Coding change: c.2450+7G>A on transcript NM_173598.6 (MANE Select); 7 bases into the intron after coding-DNA position 2450, G replaced by A.
Molecular consequence: intron variant.
Genome position (GRCh38, 1-based): chr12:117,484,409, C>T on the plus strand (G>A on the coding strand, the complement: KSR2 is on the minus strand). VCF-style: chr12-117484409-C-T. GRCh37 (hg19) VCF-style: chr12-117922214-C-T.
Identifiers: ClinVar variation 3351444 (VCV003351444.1).

ClinVar aggregate classification (germline): Likely benign (0 of 4 stars; one submission).

Conditions:
KSR2-related disorder. Also called: KSR2-related condition.

gnomAD v4.1: 12 of 1,613,682 alleles (0.00074%); highest among the groups gnomAD compares: African/African-American, 0.015%; no homozygotes.

Submission:

PreventionGenetics, part of Exact Sciences
Classification: Likely benign for KSR2-related condition. Last evaluated: 2020-09-04. Review status: no assertion criteria provided. Collection method: clinical testing. Allele origin: germline.
Comment: This variant is classified as likely benign based on ACMG/AMP sequence variant interpretation guidelines (Richards et al. 2015 PMID: 25741868, with internal and published modifications).